The following is an entry in ClinVar:

ClinVar aggregate classification (germline): Conflicting classifications of pathogenicity. Review status: criteria provided, conflicting classifications (1 of 4 stars). 4 submissions from 4 submitters: Likely pathogenic (1); Uncertain significance (3). Last evaluated 2026-05-14.

Conditions:
Gastrointestinal stromal tumor. Also called: Gastrointestinal stromal tumor, somatic; Gastrointestinal stroma tumor. Identifiers: Orphanet 44890, MedGen C0238198, MeSH D046152, MONDO:0011719, OMIM 606764, HP:0100723.
Pheochromocytoma. Also called: MAX-Related Hereditary Paraganglioma-Pheochromocytoma Syndrome. Identifiers: Orphanet 29072, MedGen C0031511, MONDO:0008233, OMIM 171300, HP:0002666.
Pheochromocytoma/paraganglioma syndrome 4. Also called: Paragangliomas 4; PARAGANGLIOMA, FAMILIAL MALIGNANT; PARAGANGLIOMAS, HEREDITARY EXTRAADRENAL; PHEOCHROMOCYTOMA, FAMILIAL EXTRAADRENAL; SDHB-Related Hereditary Paraganglioma-Pheochromocytoma Syndrome; CAROTID BODY TUMORS AND MULTIPLE EXTRAADRENAL PHEOCHROMOCYTOMAS. Identifiers: Orphanet 29072, MedGen C1861848, MONDO:0007273, OMIM 115310.
Hereditary cancer-predisposing syndrome. Also called: Tumor predisposition; Neoplastic Syndromes, Hereditary; Hereditary Cancer Syndrome; Hereditary neoplastic syndrome. Identifiers: Orphanet 140162, MedGen C0027672, MeSH D009386, MONDO:0015356.

Submissions (4):

Women's Health and Genetics/Laboratory Corporation of America, LabCorp
Classification: Uncertain significance. Last evaluated: 2026-05-14. Review status: criteria provided, single submitter. Criteria: LabCorp Variant Classification Summary - May 2015. Collection method: clinical testing. Allele origin: germline.
Comment: Variant summary: SDHB c.701T>A (p.Leu234Gln) results in a non-conservative amino acid change in the encoded protein sequence. Algorithms developed to predict the effect of missense changes on protein structure and function all suggest that this variant is likely to be disruptive. The variant was absent in 251432 control chromosomes. The available data on variant occurrences in the general population are insufficient to allow any conclusion about variant significance. To our knowledge, no occurrence of c.701T>A in individuals affected with SDHB-related conditions and no experimental evidence demonstrating its impact on protein function have been reported. ClinVar contains an entry for this variant (Variation ID: 186390). Based on the evidence outlined above, the variant was classified as uncertain significance.

Ambry Genetics
Classification: Likely pathogenic for Hereditary cancer-predisposing syndrome. Last evaluated: 2026-04-17. Review status: criteria provided, single submitter. Criteria: Ambry Variant Classification Scheme 2023. Collection method: clinical testing. Allele origin: germline.
Comment: The p.L234Q variant (also known as c.701T>A), located in coding exon 7 of the SDHB gene, results from a T to A substitution at nucleotide position 701. The leucine at codon 234 is replaced by glutamine, an amino acid with dissimilar properties. This variant was reported in individual(s) with features consistent with SDHB-related hereditary pheochromocytoma-paraganglioma (Ambry internal data). Other variant(s) at the same codon, p.L234P (c.701T>C), have been identified in individual(s) with features consistent with SDHB-related hereditary pheochromocytoma-paraganglioma (Ambry internal data). This amino acid position is highly conserved in available vertebrate species. In addition, this alteration is predicted to be deleterious by in silico analysis. Based on the majority of available evidence to date, this variant is likely to be pathogenic.

Labcorp Genetics (formerly Invitae), Labcorp
Classification: Uncertain significance for Gastrointestinal stromal tumor; Pheochromocytoma/paraganglioma syndrome 4; Pheochromocytoma. Last evaluated: 2023-06-02. Review status: criteria provided, single submitter. Criteria: Invitae Variant Classification Sherloc (09022015). Collection method: clinical testing. Allele origin: germline.
Comment: In summary, the available evidence is currently insufficient to determine the role of this variant in disease. Therefore, it has been classified as a Variant of Uncertain Significance. This variant has not been reported in the literature in individuals affected with SDHB-related conditions. This sequence change replaces leucine, which is neutral and non-polar, with glutamine, which is neutral and polar, at codon 234 of the SDHB protein (p.Leu234Gln). This variant is not present in population databases (gnomAD no frequency). ClinVar contains an entry for this variant (Variation ID: 186390). Advanced modeling of protein sequence and biophysical properties (such as structural, functional, and spatial information, amino acid conservation, physicochemical variation, residue mobility, and thermodynamic stability) performed at Invitae indicates that this missense variant is expected to disrupt SDHB protein function.

GeneDx
Classification: Uncertain significance. Last evaluated: 2022-06-16. Review status: criteria provided, single submitter. Criteria: GeneDx Variant Classification Process June 2021. Collection method: clinical testing. Allele origin: germline. Affected: yes.
Comment: Not observed at significant frequency in large population cohorts (gnomAD); In silico analysis supports that this missense variant has a deleterious effect on protein structure/function; Has not been previously published as pathogenic or benign to our knowledge

NM_003000.3(SDHB):c.701T>A (p.Leu234Gln)

Gene: SDHB (succinate dehydrogenase complex iron sulfur subunit B; minus strand). Cytogenetic location: 1p36.13.
Variant type: single nucleotide variant.
Coding change: c.701T>A on transcript NM_003000.3 (MANE Select); coding-DNA position 701, T replaced by A.
Protein change: p.Leu234Gln; replaces leucine 234 with glutamine.
Molecular consequence: missense variant.
Genome position (GRCh38, 1-based): chr1:17,022,672, A>T on the plus strand (T>A on the coding strand, the complement: SDHB is on the minus strand). VCF-style: chr1-17022672-A-T. GRCh37 (hg19) VCF-style: chr1-17349167-A-T.
Other names: short protein forms L234Q.
Identifiers: ClinVar variation 186390 (VCV000186390.15), dbSNP rs786202913, ClinGen allele CA016109.
Genomic context (GRCh38, chr1:17,022,672, plus strand): 5'-GGACAGGTCCTTGTGCAGTTCATGATGGTGTGGCAGCGGTATAGAGAGAATGGGTCCTGC[A>T]GCTTGGCCAGGCGCTCCTCTGTGAAGTCATCTCTGGAGTCAATCATCCAGCGATAGGCCT-3'
Protein context (NP_002991.2, residues 224-244): DDFTEERLAK[Leu234Gln]QDPFSLYRCH